The following is an entry in ClinVar:

NM_006393.3(NEBL):c.65A>G (p.Glu22Gly)

Gene: NEBL (nebulette; minus strand). Cytogenetic location: 10p12.31.
Variant type: single nucleotide variant.
Coding change: c.65A>G on transcript NM_006393.3 (MANE Select); coding-DNA position 65, A replaced by G.
Protein change: p.Glu22Gly; replaces glutamic acid 22 with glycine.
Molecular consequence: missense variant. On other transcripts: intron variant (9).
Genome position (GRCh38, 1-based): chr10:20,897,141, T>C on the plus strand (A>G on the coding strand, the complement: NEBL is on the minus strand). VCF-style: chr10-20897141-T-C. GRCh37 (hg19) VCF-style: chr10-21186070-T-C.
Other names: c.249+64531A>G (NM_001377326.1, NM_001377327.1, NM_001377328.1); c.357+64531A>G (NM_213569.2, NM_001173484.2, NM_001377322.1); c.300+64531A>G (NM_001377324.1); c.291+64531A>G (NM_001377325.1); c.309+64531A>G (NM_001377323.1); short protein forms E22G.
Identifiers: ClinVar variation 2147041 (VCV002147041.4), dbSNP rs775730258, ClinGen allele CA376098818.

ClinVar aggregate classification (germline): Uncertain significance (1 of 4 stars; one submission).

Conditions:
Primary dilated cardiomyopathy (DCM). Also called: Dilated Cardiomyopathy. Identifiers: Orphanet 217604, MedGen C0007193, MeSH D002311, MONDO:0005021, HP:0001644. Inheritance: Various modes of inheritance.

gnomAD v4.1: 2 of 1,604,832 alleles (0.00012%); highest among the groups gnomAD compares: Admixed American, 0.0017%; no homozygotes.

Submission:

Labcorp Genetics (formerly Invitae), Labcorp
Classification: Uncertain significance for Primary dilated cardiomyopathy. Last evaluated: 2025-06-14. Review status: criteria provided, single submitter. Criteria: Invitae Variant Classification Sherloc (09022015). Collection method: clinical testing. Allele origin: germline.
Comment: This sequence change replaces glutamic acid, which is acidic and polar, with glycine, which is neutral and non-polar, at codon 22 of the NEBL protein (p.Glu22Gly). This variant is present in population databases (no rsID available, gnomAD 0.003%). This variant has not been reported in the literature in individuals affected with NEBL-related conditions. ClinVar contains an entry for this variant (Variation ID: 2147041). An algorithm developed to predict the effect of missense changes on protein structure and function (PolyPhen-2) suggests that this variant is likely to be tolerated. In summary, the available evidence is currently insufficient to determine the role of this variant in disease. Therefore, it has been classified as a Variant of Uncertain Significance.